The following is an entry in ClinVar:

NM_001363711.2(DUOX2):c.1075A>G (p.Lys359Glu)

Gene: DUOX2 (dual oxidase 2; minus strand). Cytogenetic location: 15q21.1.
Variant type: single nucleotide variant.
Coding change: c.1075A>G on transcript NM_001363711.2 (MANE Select); coding-DNA position 1075, A replaced by G.
Protein change: p.Lys359Glu; replaces lysine 359 with glutamic acid.
Molecular consequence: missense variant.
Genome position (GRCh38, 1-based): chr15:45,109,946, T>C on the plus strand (A>G on the coding strand, the complement: DUOX2 is on the minus strand). VCF-style: chr15-45109946-T-C. GRCh37 (hg19) VCF-style: chr15-45402144-T-C.
Other names: c.1075A>G, p.Lys359Glu (NM_014080.5); short protein forms K359E.
Identifiers: ClinVar variation 1351905 (VCV001351905.8), dbSNP rs2141155657, ClinGen allele CA392277438.
Genomic context (GRCh38, chr15:45,109,946, plus strand): 5'-TGACCTCCCGAATCCAGTAGTTGTTGCAGACCCTGAGAGCTTGGGAGCTTTGAAAACCCT[T>C]GTTCAGGACCTTCCGGAAATGACAGCTGGCATTTCTGAAATTGAGAACAAAGGATGTGGT-3'
Protein context (NP_001350640.1, residues 349-369): ASCHFRKVLN[Lys359Glu]GFQSSQALRV

ClinVar aggregate classification (germline): Uncertain significance (1 of 4 stars; one submission).

Submission:

Labcorp Genetics (formerly Invitae), Labcorp
Classification: Uncertain significance. Last evaluated: 2021-05-06. Review status: criteria provided, single submitter. Criteria: Invitae Variant Classification Sherloc (09022015). Collection method: clinical testing. Allele origin: germline.
Comment: In summary, the available evidence is currently insufficient to determine the role of this variant in disease. Therefore, it has been classified as a Variant of Uncertain Significance. Advanced modeling of protein sequence and biophysical properties (such as structural, functional, and spatial information, amino acid conservation, physicochemical variation, residue mobility, and thermodynamic stability) performed at Invitae indicates that this missense variant is not expected to disrupt DUOX2 protein function. This variant has not been reported in the literature in individuals with DUOX2-related conditions. This variant is not present in population databases (ExAC no frequency). This sequence change replaces lysine with glutamic acid at codon 359 of the DUOX2 protein (p.Lys359Glu). The lysine residue is weakly conserved and there is a small physicochemical difference between lysine and glutamic acid.